The following is an entry in ClinVar:

NM_139315.3(TAF6):c.1274G>C (p.Ser425Thr)

Genes: AP4M1 (adaptor related protein complex 4 subunit mu 1; plus strand), TAF6 (TATA-box binding protein associated factor 6; minus strand). Cytogenetic location: 7q22.1.
Variant type: single nucleotide variant.
Coding change: c.1274G>C on transcript NM_139315.3 (MANE Select); coding-DNA position 1274, G replaced by C.
Protein change: p.Ser425Thr; replaces serine 425 with threonine.
Molecular consequence: missense variant. On other transcripts: non-coding transcript variant (1).
Genome position (GRCh38, 1-based): chr7:100,109,958, C>G on the plus strand (G>C on the coding strand, the complement: TAF6 is on the minus strand). VCF-style: chr7-100109958-C-G. GRCh37 (hg19) VCF-style: chr7-99707581-C-G.
Other names: c.1385G>C, p.Ser462Thr (NM_001190415.2); c.1274G>C, p.Ser425Thr (NM_001364998.1, NM_001364999.1, NM_005641.4); c.1244G>C, p.Ser415Thr (NM_001365000.1, NM_001365001.1, NM_001365002.1 and 1 more transcripts); c.1412G>C, p.Ser471Thr (NM_001365004.1); c.1385G>C (NM_001190415.1); short protein forms S425T, S462T, S415T, S471T.
Identifiers: ClinVar variation 2075998 (VCV002075998.7), dbSNP rs201637591, ClinGen allele CA4375358.

ClinVar aggregate classification (germline): Uncertain significance. Review status: criteria provided, multiple submitters, no conflicts (2 of 4 stars). 2 submissions from 2 submitters: Uncertain significance (2). Last evaluated 2025-07-07.

Conditions:
Inborn genetic diseases. Identifiers: MedGen C0950123, MeSH D030342.

Allele frequency attached by ClinVar (database versions not stated): ESP Exome Variant Server 0.00015; 1000 Genomes Project 30x 0.00016; 1000 Genomes Project 0.00020; ExAC 0.00024; gnomAD 0.00024; TOPMed 0.00024.
gnomAD v4.1: 598 of 1,614,146 alleles (0.037%); highest among the groups gnomAD compares: Non-Finnish European, 0.048%; no homozygotes.

Submissions (2):

Labcorp Genetics (formerly Invitae), Labcorp
Classification: Uncertain significance. Last evaluated: 2025-07-07. Review status: criteria provided, single submitter. Criteria: Invitae Variant Classification Sherloc (09022015). Collection method: clinical testing. Allele origin: germline.
Comment: This sequence change replaces serine, which is neutral and polar, with threonine, which is neutral and polar, at codon 425 of the TAF6 protein (p.Ser425Thr). This variant is present in population databases (rs201637591, gnomAD 0.05%). This variant has not been reported in the literature in individuals affected with TAF6-related conditions. ClinVar contains an entry for this variant (Variation ID: 2075998). Invitae Evidence Modeling of protein sequence and biophysical properties (such as structural, functional, and spatial information, amino acid conservation, physicochemical variation, residue mobility, and thermodynamic stability) indicates that this missense variant is not expected to disrupt TAF6 protein function with a negative predictive value of 80%. In summary, the available evidence is currently insufficient to determine the role of this variant in disease. Therefore, it has been classified as a Variant of Uncertain Significance.

Ambry Genetics
Classification: Uncertain significance for Inborn genetic diseases. Last evaluated: 2025-02-22. Review status: criteria provided, single submitter. Criteria: Ambry Variant Classification Scheme 2023. Collection method: clinical testing. Allele origin: germline.